The following is an entry in ClinVar:

ClinVar aggregate classification (germline): Uncertain significance (1 of 4 stars; one submission).

Submission:

GeneDx
Classification: Uncertain significance. Last evaluated: 2024-12-22. Review status: criteria provided, single submitter. Criteria: GeneDx Variant Classification Process June 2021. Collection method: clinical testing. Allele origin: germline. Affected: yes.
Comment: Not observed at significant frequency in large population cohorts (gnomAD); Nonsense variant predicted to result in protein truncation or nonsense mediated decay in a gene or region of a gene for which loss of function is not a well-established mechanism of disease; Has not been previously published as pathogenic or benign to our knowledge

NM_001100913.3(PACS2):c.1431_1432del (p.Val477_Tyr478insTer)

Gene: PACS2 (phosphofurin acidic cluster sorting protein 2; plus strand). Cytogenetic location: 14q32.33.
Variant type: Microsatellite.
Coding change: c.1431_1432del on transcript NM_001100913.3 (MANE Select); coding-DNA positions 1431 to 1432, 2 bases deleted (GT; older notation c.1431_1432delGT).
Protein change: p.Val477_Tyr478insTer.
Molecular consequence: frameshift variant.
Genome position (GRCh38, 1-based): chr14:105,382,494-105,382,495, GT deleted; deleting any 2 consecutive bases within chr14:105,382,491-105,382,495 gives the same sequence; the c. name uses the placement nearest the transcript's 3' end. VCF-style (leftmost placement, unchanged base first): chr14-105382490-CTG-C. GRCh37 (hg19) VCF-style: chr14-105848827-CTG-C.
Other names: c.1194_1195del, p.Val398_Tyr399insTer (NM_001243127.3); c.1419_1420del, p.Val473_Tyr474insTer (NM_015197.4).
Identifiers: ClinVar variation 3906515 (VCV003906515.1).
Genomic context (GRCh38, chr14:105,382,490, plus strand): 5'-GGCGCTGTGCTTCTCTTCTGGGTGTGGACAGGGCTCTGTGCCTCCAGATCCCCAGGAAGA[CTG>C]TGTATGACCAGCTCAACCACATCCTCATCTCCGATGACCAGCTTCCCGAAAACATCATCC-3'